The following is an entry in ClinVar:

ClinVar aggregate classification (germline): Uncertain significance. Review status: criteria provided, multiple submitters, no conflicts (2 of 4 stars). 4 submissions from 4 submitters: Uncertain significance (4). Last evaluated 2026-02-27.

Conditions:
Multiple congenital anomalies-hypotonia-seizures syndrome 1 (MCAHS1). Also called: GLYCOSYLPHOSPHATIDYLINOSITOL BIOSYNTHESIS DEFECT 3; PIGN-CDG; Congenital disorder of glycosylation due to PIGN deficiency. Identifiers: Orphanet 280633, MedGen C3279775, MONDO:0013563, OMIM 614080.
Inborn genetic diseases. Identifiers: MedGen C0950123, MeSH D030342.

gnomAD v4.1: 26 of 1,538,012 alleles (0.0017%); highest among the groups gnomAD compares: Middle Eastern, 0.15%; 1 homozygote.

Submissions (4):

Ambry Genetics
Classification: Uncertain significance for Inborn genetic diseases. Last evaluated: 2026-02-27. Review status: criteria provided, single submitter. Criteria: Ambry Variant Classification Scheme 2023. Collection method: clinical testing. Allele origin: germline.
Comment: The c.2411T>C (p.I804T) alteration is located in exon 26 (coding exon 23) of the PIGN gene. This alteration results from a T to C substitution at nucleotide position 2411, causing the isoleucine (I) at amino acid position 804 to be replaced by a threonine (T). Based on data from gnomAD, the C allele has an overall frequency of 0.001% (2/156446) total alleles studied. The highest observed frequency was 0.003% (2/61094) of European (non-Finnish) alleles. Based on insufficient or conflicting evidence, the clinical significance of this alteration remains unclear.

Women's Health and Genetics/Laboratory Corporation of America, LabCorp
Classification: Uncertain significance. Last evaluated: 2024-08-14. Review status: criteria provided, single submitter. Criteria: LabCorp Variant Classification Summary - May 2015. Collection method: clinical testing. Allele origin: germline.

Labcorp Genetics (formerly Invitae), Labcorp
Classification: Uncertain significance for Multiple congenital anomalies-hypotonia-seizures syndrome 1. Last evaluated: 2022-07-29. Review status: criteria provided, single submitter. Criteria: Invitae Variant Classification Sherloc (09022015). Collection method: clinical testing. Allele origin: germline.
Comment: This sequence change replaces isoleucine, which is neutral and non-polar, with threonine, which is neutral and polar, at codon 804 of the PIGN protein (p.Ile804Thr). This variant is present in population databases (no rsID available, gnomAD 0.003%). This variant has not been reported in the literature in individuals affected with PIGN-related conditions. ClinVar contains an entry for this variant (Variation ID: 1061104). Algorithms developed to predict the effect of missense changes on protein structure and function are either unavailable or do not agree on the potential impact of this missense change (SIFT: "Deleterious"; PolyPhen-2: "Probably Damaging"; Align-GVGD: "Class C15"). Algorithms developed to predict the effect of sequence changes on RNA splicing suggest that this variant may create or strengthen a splice site. In summary, the available evidence is currently insufficient to determine the role of this variant in disease. Therefore, it has been classified as a Variant of Uncertain Significance.

Blueprint Genetics
Classification: Uncertain significance. Last evaluated: 2022-07-12. Review status: criteria provided, single submitter. Criteria: ACMG Guidelines, 2015. Collection method: clinical testing. Allele origin: germline.

NM_176787.5(PIGN):c.2411T>C (p.Ile804Thr)

Gene: PIGN (phosphatidylinositol glycan anchor biosynthesis class N; minus strand). Cytogenetic location: 18q21.33.
Variant type: single nucleotide variant.
Coding change: c.2411T>C on transcript NM_176787.5 (MANE Select); coding-DNA position 2411, T replaced by C.
Protein change: p.Ile804Thr; replaces isoleucine 804 with threonine.
Molecular consequence: missense variant.
Genome position (GRCh38, 1-based): chr18:62,085,224, A>G on the plus strand (T>C on the coding strand, the complement: PIGN is on the minus strand). VCF-style: chr18-62085224-A-G. GRCh37 (hg19) VCF-style: chr18-59752457-A-G.
Other names: c.2411T>C, p.Ile804Thr (NM_012327.6); short protein forms I804T.
Identifiers: ClinVar variation 1061104 (VCV001061104.11), dbSNP rs199672087, ClinGen allele CA301690792.